The following is an entry in ClinVar:

NM_006383.4(CIB2):c.542+1G>A

Gene: CIB2 (calcium and integrin binding family member 2; minus strand). Cytogenetic location: 15q25.1.
Variant type: single nucleotide variant.
Coding change: c.542+1G>A on transcript NM_006383.4 (MANE Select); the canonical splice donor site of the intron after coding-DNA position 542, G replaced by A.
Molecular consequence: splice donor variant.
Genome position (GRCh38, 1-based): chr15:78,105,738, C>T on the plus strand (G>A on the coding strand, the complement: CIB2 is on the minus strand). VCF-style: chr15-78105738-C-T. GRCh37 (hg19) VCF-style: chr15-78398080-C-T.
Other names: c.395+1G>A (NM_001271889.2); c.413+1G>A (NM_001271888.2); c.557+1G>A (NM_001301224.2).
Identifiers: ClinVar variation 1058577 (VCV001058577.7), dbSNP rs2074057980, ClinGen allele CA393545192.

ClinVar aggregate classification (germline): Pathogenic (1 of 4 stars; one submission).

Allele frequency attached by ClinVar (database versions not stated): gnomAD 0.00001; TOPMed 0.00001.
gnomAD v4.1: 2 of 1,613,902 alleles (0.00012%); highest among the groups gnomAD compares: African/African-American, 0.0027%; no homozygotes.

Submission:

Labcorp Genetics (formerly Invitae), Labcorp
Classification: Pathogenic. Last evaluated: 2025-01-27. Review status: criteria provided, single submitter. Criteria: Invitae Variant Classification Sherloc (09022015). Collection method: clinical testing. Allele origin: germline.
Comment: This sequence change affects a donor splice site in intron 5 of the CIB2 gene. While this variant is not anticipated to result in nonsense mediated decay, it likely alters RNA splicing and results in a disrupted protein product. This variant is not present in population databases (gnomAD no frequency). This variant has not been reported in the literature in individuals affected with CIB2-related conditions. ClinVar contains an entry for this variant (Variation ID: 1058577). Variants that disrupt the consensus splice site are a relatively common cause of aberrant splicing (PMID: 17576681, 9536098). Algorithms developed to predict the effect of sequence changes on RNA splicing suggest that this variant may disrupt the consensus splice site. This variant disrupts a region of the CIB2 protein in which other variant(s) (p.Arg186Trp) have been determined to be pathogenic (PMID: 26426422, 29112224, 34837038). This suggests that this is a clinically significant region of the protein, and that variants that disrupt it are likely to be disease-causing. For these reasons, this variant has been classified as Pathogenic.

Literature cited by the submitters: PubMed 17576681; PubMed 9536098; PubMed 26426422; PubMed 29112224; PubMed 34837038.